The following is an entry in ClinVar:

NM_013382.7(POMT2):c.2085_2086delinsTT (p.Trp695_Pro696delinsCysSer)

Gene: POMT2 (protein O-mannosyltransferase 2; minus strand). Cytogenetic location: 14q24.3.
Variant type: Indel.
Coding change: c.2085_2086delinsTT on transcript NM_013382.7 (MANE Select); coding-DNA positions 2085 to 2086, GC replaced by TT.
Protein change: p.Trp695_Pro696delinsCysSer.
Molecular consequence: missense variant.
Genome position (GRCh38, 1-based): chr14:77,278,455-77,278,456, GC replaced by AA on the plus strand (GC replaced by TT on the coding strand, the reverse complement: POMT2 is on the minus strand). VCF-style: chr14-77278455-GC-AA. GRCh37 (hg19) VCF-style: chr14-77744798-GC-AA.
Other names: c.2085_2086delGCinsTT (NM_013382.5); c.2085_2086delinsTT (NM_013382.5).
Identifiers: ClinVar variation 566152 (VCV000566152.8), dbSNP rs1566642523, ClinGen allele CA891844485.

ClinVar aggregate classification (germline): Uncertain significance. Review status: criteria provided, multiple submitters, no conflicts (2 of 4 stars). 2 submissions from 2 submitters: Uncertain significance (2). Last evaluated 2022-06-01.

Conditions:
Muscular dystrophy-dystroglycanopathy (congenital with impaired intellectual development), type B, 2. Also called: Muscular dystrophy-dystroglycanopathy (congenital with intellectual disability), type B2; MUSCULAR DYSTROPHY, CONGENITAL, POMT2-RELATED. Identifiers: MedGen C3150416, MONDO:0013160, OMIM 613156.
Autosomal recessive limb-girdle muscular dystrophy type 2N. Also called: Muscular dystrophy-dystroglycanopathy (limb-girdle), type C, 2; MUSCULAR DYSTROPHY-DYSTROGLYCANOPATHY, LIMB-GIRDLE, POMT2-RELATED. Identifiers: Orphanet 206559, MedGen C3150418, MONDO:0013162, OMIM 613158.
Muscular dystrophy-dystroglycanopathy (congenital with brain and eye anomalies), type A2. Also called: MUSCULAR DYSTROPHY-DYSTROGLYCANOPATHY (CONGENITAL WITH BRAIN AND EYE ANOMALIES), TYPE A, 2; WALKER-WARBURG SYNDROME OR MUSCLE-EYE-BRAIN DISEASE, POMT2-RELATED. Identifiers: Orphanet 588, Orphanet 899, MedGen C3150411, MONDO:0013154, OMIM 613150.

Submissions (2):

Labcorp Genetics (formerly Invitae), Labcorp
Classification: Uncertain significance for Muscular dystrophy-dystroglycanopathy (congenital with impaired intellectual development), type B, 2; Muscular dystrophy-dystroglycanopathy (congenital with brain and eye anomalies), type A2; Autosomal recessive limb-girdle muscular dystrophy type 2N. Last evaluated: 2022-06-01. Review status: criteria provided, single submitter. Criteria: Invitae Variant Classification Sherloc (09022015). Collection method: clinical testing. Allele origin: germline.
Comment: This variant, c.2085_2086delinsTT, is a complex sequence change that results in the deletion of 2 and insertion of 2 amino acid(s) in the POMT2 protein (p.Trp695_Pro696delinsCysSer). Information on the frequency of this variant in the gnomAD database is not available, as this variant may be reported differently in the database. This variant has not been reported in the literature in individuals affected with POMT2-related conditions. ClinVar contains an entry for this variant (Variation ID: 566152). Experimental studies and prediction algorithms are not available or were not evaluated, and the functional significance of this variant is currently unknown. In summary, the available evidence is currently insufficient to determine the role of this variant in disease. Therefore, it has been classified as a Variant of Uncertain Significance.

Revvity Omics, Revvity
Classification: Uncertain significance. Last evaluated: 2022-03-14. Review status: criteria provided, single submitter. Criteria: ACMG Guidelines, 2015. Collection method: clinical testing. Allele origin: germline.